The following is an entry in ClinVar:

NM_000263.4(NAGLU):c.1081T>C (p.Trp361Arg)

Gene: NAGLU (N-acetyl-alpha-glucosaminidase; plus strand). Cytogenetic location: 17q21.2.
Variant type: single nucleotide variant.
Coding change: c.1081T>C on transcript NM_000263.4 (MANE Select); coding-DNA position 1081, T replaced by C.
Protein change: p.Trp361Arg; replaces tryptophan 361 with arginine.
Molecular consequence: missense variant.
Genome position (GRCh38, 1-based): chr17:42,543,087, T>C. VCF-style: chr17-42543087-T-C. GRCh37 (hg19) VCF-style: chr17-40695105-T-C.
Other names: c.1081T>C (NM_000263.3); short protein forms W361R.
Identifiers: ClinVar variation 1067432 (VCV001067432.9), dbSNP rs766000735, ClinGen allele CA8576955.

ClinVar aggregate classification (germline): Pathogenic/Likely pathogenic. Review status: criteria provided, multiple submitters, no conflicts (2 of 4 stars). 2 submissions from 2 submitters: Pathogenic (1); Likely pathogenic (1). Last evaluated 2025-01-04.

Conditions:
Mucopolysaccharidosis, MPS-III-B (MPS3B). Also called: MPS IIIB (Sanfilippo Syndrome Type B); MUCOPOLYSACCHARIDOSIS, TYPE IIIB; Mucopolysaccharidosis type IIIB (Sanfilippo B); N-ACETYL-ALPHA-D-GLUCOSAMINIDASE DEFICIENCY; NAGLU DEFICIENCY; SANFILIPPO SYNDROME B. Identifiers: Orphanet 79270, MedGen C0086648, MONDO:0009656, OMIM 252920.
Charcot-Marie-Tooth disease axonal type 2V. Also called: CHARCOT-MARIE-TOOTH NEUROPATHY, TYPE 2V; CHARCOT-MARIE-TOOTH DISEASE, AXONAL, AUTOSOMAL DOMINANT, TYPE 2V. Identifiers: Orphanet 447964, MedGen C5569050, MONDO:0014665, OMIM 616491.

Allele frequency attached by ClinVar (database versions not stated): TOPMed below 0.00001; gnomAD exomes below 0.00001 and 0.00001; gnomAD 0.00001; ExAC 0.00002.
gnomAD v4.1: 4 of 1,611,226 alleles (0.00025%); highest among the groups gnomAD compares: East Asian, 0.0067%; no homozygotes.

Submissions (2):

Natera, Inc.
Classification: Likely pathogenic for Mucopolysaccharidosis type IIIB. Last evaluated: 2025-01-04. Review status: criteria provided, single submitter. Criteria: Natera Variant Classification Schema (03/2026). Collection method: clinical testing. Allele origin: germline.
Comment: The c.1081T>C variant in NAGLU is a missense variant predicted to cause substitution of tryptophan to arginine at amino acid 361. This variant is rare in the general population with a frequency below the threshold expected for the associated phenotype(s). This variant has been observed in one or more individuals affected with the associated recessive disease, as either homozygous or compound heterozygous with a second variant (PMID: 23380547). Functional studies show that this variant may disrupt protein function (PMID: 29979746). Computational prediction algorithms indicate this variant is likely to affect gene or protein function. Given the available evidence, this variant is classified as Likely Pathogenic.

Labcorp Genetics (formerly Invitae), Labcorp
Classification: Pathogenic for Charcot-Marie-Tooth disease axonal type 2V; Mucopolysaccharidosis, MPS-III-B. Last evaluated: 2024-03-21. Review status: criteria provided, single submitter. Criteria: Invitae Variant Classification Sherloc (09022015). Collection method: clinical testing. Allele origin: germline.
Comment: This sequence change replaces tryptophan, which is neutral and slightly polar, with arginine, which is basic and polar, at codon 361 of the NAGLU protein (p.Trp361Arg). This variant is present in population databases (rs766000735, gnomAD 0.02%). This missense change has been observed in individual(s) with mucopolysaccharidosis type III (PMID: 23380547, 30070758). In at least one individual the data is consistent with being in trans (on the opposite chromosome) from a pathogenic variant. ClinVar contains an entry for this variant (Variation ID: 1067432). Advanced modeling of protein sequence and biophysical properties (such as structural, functional, and spatial information, amino acid conservation, physicochemical variation, residue mobility, and thermodynamic stability) performed at Invitae indicates that this missense variant is expected to disrupt NAGLU protein function with a positive predictive value of 95%. Experimental studies have shown that this missense change affects NAGLU function (PMID: 29979746). For these reasons, this variant has been classified as Pathogenic.

Literature cited by the submitters: PubMed 23380547 (cited by Natera, Inc. and Labcorp Genetics (formerly Invitae), Labcorp); PubMed 29979746 (cited by Natera, Inc. and Labcorp Genetics (formerly Invitae), Labcorp); PubMed 30070758 (cited by Labcorp Genetics (formerly Invitae), Labcorp).